The following is an entry in ClinVar:

NM_016341.4(PLCE1):c.1852A>G (p.Met618Val)

Gene: PLCE1 (phospholipase C epsilon 1; plus strand). Cytogenetic location: 10q23.33.
Variant type: single nucleotide variant.
Coding change: c.1852A>G on transcript NM_016341.4 (MANE Select); coding-DNA position 1852, A replaced by G.
Protein change: p.Met618Val; replaces methionine 618 with valine.
Molecular consequence: missense variant.
Genome position (GRCh38, 1-based): chr10:94,227,348, A>G. VCF-style: chr10-94227348-A-G. GRCh37 (hg19) VCF-style: chr10-95987105-A-G.
Other names: c.928A>G, p.Met310Val (NM_001165979.2); c.1852A>G, p.Met618Val (NM_001288989.2); c.1852A>G (NM_016341.3); short protein forms M618V, M310V.
Identifiers: ClinVar variation 2175659 (VCV002175659.6), dbSNP rs200180170, ClinGen allele CA5612497.
Genomic context (GRCh38, chr10:94,227,348, plus strand): 5'-TCTCTGTGTGTTTTCCAGGTGAGCTCCTGGGTGACATGGCTGATCCTCACGGCAGGCTCC[A>G]TGGAGGAGAAGCGAGAAGTCTTTTCATATTTGGTGCATGTGGCCAAATGCTGCTGGAACA-3'
Protein context (NP_057425.3, residues 608-628): VTWLILTAGS[Met618Val]EEKREVFSYL

ClinVar aggregate classification (germline): Uncertain significance. Review status: criteria provided, multiple submitters, no conflicts (2 of 4 stars). 4 submissions from 4 submitters: Uncertain significance (4). Last evaluated 2025-12-30.

Conditions:
Nephrotic syndrome, type 3 (NPHS3). Also called: NEPHROTIC SYNDROME, EARLY-ONSET, TYPE 3. Identifiers: Orphanet 656, MedGen C1853124, MONDO:0012546, OMIM 610725.
Inborn genetic diseases. Identifiers: MedGen C0950123, MeSH D030342.

Allele frequency attached by ClinVar (database versions not stated): ESP Exome Variant Server 0.00016; ExAC 0.00017; gnomAD 0.00040; TOPMed 0.00045; gnomAD exomes 0.00046.
gnomAD v4.1: 735 of 1,613,850 alleles (0.046%); highest among the groups gnomAD compares: Admixed American, 0.062%; no homozygotes.

Submissions (4):

Labcorp Genetics (formerly Invitae), Labcorp
Classification: Uncertain significance. Last evaluated: 2025-12-30. Review status: criteria provided, single submitter. Criteria: Invitae Variant Classification Sherloc (09022015). Collection method: clinical testing. Allele origin: germline.
Comment: This sequence change replaces methionine, which is neutral and non-polar, with valine, which is neutral and non-polar, at codon 618 of the PLCE1 protein (p.Met618Val). This variant is present in population databases (rs200180170, gnomAD 0.05%). This variant has not been reported in the literature in individuals affected with PLCE1-related conditions. ClinVar contains an entry for this variant (Variation ID: 2175659). Invitae Evidence Modeling of protein sequence and biophysical properties (such as structural, functional, and spatial information, amino acid conservation, physicochemical variation, residue mobility, and thermodynamic stability) indicates that this missense variant is expected to disrupt PLCE1 protein function with a positive predictive value of 80%. In summary, the available evidence is currently insufficient to determine the role of this variant in disease. Therefore, it has been classified as a Variant of Uncertain Significance.

Blueprint Genetics
Classification: Uncertain significance. Last evaluated: 2024-07-30. Review status: criteria provided, single submitter. Criteria: ACMG Guidelines, 2015. Collection method: clinical testing. Allele origin: germline.

Department of Pathology and Laboratory Medicine, Sinai Health System
Classification: Uncertain significance for Nephrotic syndrome, type 3. Last evaluated: 2023-04-02. Review status: criteria provided, single submitter. Criteria: ACMG Guidelines, 2015. Collection method: research. Allele origin: germline.

Ambry Genetics
Classification: Uncertain significance for Inborn genetic diseases. Last evaluated: 2022-11-30. Review status: criteria provided, single submitter. Criteria: Ambry General Variant Classification Scheme_2022. Collection method: clinical testing. Allele origin: germline. Observed: 1 variant allele.